The following is an entry in ClinVar:

ClinVar aggregate classification (germline): Uncertain significance (1 of 4 stars; one submission).

Conditions:
Wilson disease (WND). Also called: Wilson's disease. Identifiers: Orphanet 905, MedGen C0019202, MONDO:0010200, OMIM 277900. Disease mechanism: loss of function.

gnomAD v4.1: 2 of 1,614,144 alleles (0.00012%); highest among the groups gnomAD compares: East Asian, 0.0022%; no homozygotes.

Submission:

All of Us Research Program, National Institutes of Health
Classification: Uncertain significance for Wilson disease. Last evaluated: 2024-09-11. Review status: criteria provided, single submitter. Criteria: ACMG Guidelines, 2015. Collection method: clinical testing. Allele origin: germline. Inheritance: Autosomal recessive inheritance. Observed: 1 variant allele, 1 heterozygote.
Comment: This study involves interpretation of variants in research participants for the purpose of population health screening. Participant phenotype was not available at the time of variant classification. Additional details can be found in publication PMID: 35346344, PMCID: PMC8962531

NM_000053.4(ATP7B):c.2726C>T (p.Ser909Leu)

Gene: ATP7B (ATPase copper transporting beta; minus strand). Cytogenetic location: 13q14.3.
Variant type: single nucleotide variant.
Coding change: c.2726C>T on transcript NM_000053.4 (MANE Select); coding-DNA position 2726, C replaced by T.
Protein change: p.Ser909Leu; replaces serine 909 with leucine.
Molecular consequence: missense variant.
Genome position (GRCh38, 1-based): chr13:51,950,011, G>A on the plus strand (C>T on the coding strand, the complement: ATP7B is on the minus strand). VCF-style: chr13-51950011-G-A. GRCh37 (hg19) VCF-style: chr13-52524147-G-A.
Other names: c.2726C>T, p.Ser909Leu (NM_001406535.1, NM_001406511.1, NM_001406512.1 and 7 more transcripts); c.2396C>T, p.Ser799Leu (NM_001406536.1); c.2582C>T, p.Ser861Leu (NM_001406537.1, NM_001406520.1, NM_001406521.1 and 1 more transcripts); c.2492C>T, p.Ser831Leu (NM_001406538.1, NM_001330578.2, NM_001406527.1 and 2 more transcripts); c.2297C>T, p.Ser766Leu (NM_001406539.1); c.2474C>T, p.Ser825Leu (NM_001406540.1, NM_001330579.2, NM_001406531.1 and 1 more transcripts); c.2240C>T, p.Ser747Leu (NM_001406541.1, NM_001406542.1, NM_001005918.3 and 1 more transcripts); c.2378C>T, p.Ser793Leu (NM_001406543.1); and 8 more; short protein forms S479L, S693L, S715L, S747L, S766L, S793L, S798L, S799L.
Identifiers: ClinVar variation 3387606 (VCV003387606.1).